The following is an entry in ClinVar:

ClinVar aggregate classification (germline): Uncertain significance (1 of 4 stars; one submission).

Conditions:
CRYBA2-related disorder. Also called: CRYBA2-related condition.

Allele frequency attached by ClinVar (database versions not stated): ExAC 0.00002; gnomAD 0.00003; TOPMed 0.00003; gnomAD exomes 0.00006; ESP Exome Variant Server 0.00008.
gnomAD v4.1: 84 of 1,614,168 alleles (0.0052%); highest among the groups gnomAD compares: Middle Eastern, 0.12%; no homozygotes.

Submission:

PreventionGenetics, part of Exact Sciences
Classification: Uncertain significance for CRYBA2-related condition. Last evaluated: 2023-08-25. Review status: criteria provided, single submitter. Criteria: ACMG Guidelines, 2015. Collection method: clinical testing. Allele origin: germline.
Comment: The CRYBA2 c.320G>A variant is predicted to result in the amino acid substitution p.Arg107His. To our knowledge, this variant has not been reported in the literature. This variant is reported in 0.0070% of alleles in individuals of European (Non-Finnish) descent in gnomAD. At this time, the clinical significance of this variant is uncertain due to the absence of conclusive functional and genetic evidence.

NM_057093.2(CRYBA2):c.320G>A (p.Arg107His)

Gene: CRYBA2 (crystallin beta A2; minus strand). Cytogenetic location: 2q35.
Variant type: single nucleotide variant.
Coding change: c.320G>A on transcript NM_057093.2 (MANE Select); coding-DNA position 320, G replaced by A.
Protein change: p.Arg107His; replaces arginine 107 with histidine.
Molecular consequence: missense variant.
Genome position (GRCh38, 1-based): chr2:218,990,978, C>T on the plus strand (G>A on the coding strand, the complement: CRYBA2 is on the minus strand). VCF-style: chr2-218990978-C-T. GRCh37 (hg19) VCF-style: chr2-219855700-C-T.
Other names: c.320G>A, p.Arg107His (NM_005209.1, NM_057094.2); short protein forms R107H.
Identifiers: ClinVar variation 2634381 (VCV002634381.1), dbSNP rs371989867, ClinGen allele CA2114460.